The following is an entry in ClinVar:

NM_001370658.1(BTD):c.430del (p.Arg144fs)

Gene: BTD (biotinidase; plus strand). Cytogenetic location: 3p25.1.
Variant type: Deletion.
Coding change: c.430del on transcript NM_001370658.1 (MANE Select); coding-DNA position 430, one base deleted (A; older notation c.430delA).
Protein change: p.Arg144fs; shifts the reading frame from arginine 144.
Molecular consequence: frameshift variant. On other transcripts: intron variant (6).
Genome position (GRCh38, 1-based): chr3:15,644,346, A deleted. VCF-style (leftmost placement, unchanged base first): chr3-15644345-CA-C. GRCh37 (hg19) VCF-style: chr3-15685852-CA-C.
Other names: p.Arg144Glyfs*10; c.430del, p.Arg144fs (NM_001281723.4, NM_001281724.3, NM_001281725.3 and 18 more transcripts); c.399+2289del (NM_001407399.1, NM_001370753.1, NM_001407400.1 and 3 more transcripts); short protein forms R144fs.
Identifiers: ClinVar variation 2687878 (VCV002687878.5), dbSNP rs2471509283, ClinGen allele CA2592990715.

ClinVar aggregate classification (germline): Pathogenic/Likely pathogenic. Review status: criteria provided, multiple submitters, no conflicts (2 of 4 stars). 3 submissions from 3 submitters: Pathogenic (2); Likely pathogenic (1). Last evaluated 2024-05-09.

Conditions:
Biotinidase deficiency. Also called: BTD deficiency; Late-onset biotin-responsive multiple carboxylase deficiency; Biotin deficiency. Identifiers: Orphanet 79241, MedGen C0220754, MONDO:0009665, OMIM 253260.

Submissions (3):

Fulgent Genetics
Classification: Likely pathogenic for Biotinidase deficiency. Last evaluated: 2024-05-09. Review status: criteria provided, single submitter. Criteria: ACMG Guidelines, 2015. Collection method: clinical testing. Allele origin: germline.

Labcorp Genetics (formerly Invitae), Labcorp
Classification: Pathogenic for Biotinidase deficiency. Last evaluated: 2023-08-22. Review status: criteria provided, single submitter. Criteria: Invitae Variant Classification Sherloc (09022015). Collection method: clinical testing. Allele origin: germline.
Comment: This sequence change creates a premature translational stop signal (p.Arg164Glyfs*100) in the BTD gene. While this is not anticipated to result in nonsense mediated decay, it is expected to disrupt the last 380 amino acid(s) of the BTD protein. For these reasons, this variant has been classified as Pathogenic. This variant disrupts a region of the BTD protein in which other variant(s) (p.Asp543Glu) have been determined to be pathogenic (PMID: 25174816, 25967232, 28498829). This suggests that this is a clinically significant region of the protein, and that variants that disrupt it are likely to be disease-causing. This variant has not been reported in the literature in individuals affected with BTD-related conditions. This variant is not present in population databases (gnomAD no frequency).

Clinical Genomics Laboratory, Stanford Medicine
Classification: Pathogenic for Biotinidase deficiency. Last evaluated: 2021-03-08. Review status: criteria provided, single submitter. Criteria: ACMG Guidelines, 2015. Collection method: clinical testing. Allele origin: germline. Inheritance: Autosomal recessive inheritance. Affected: yes. Observed: 1 compound heterozygote.
Comment: The p.Arg144Glyfs*100 variant in the BTD gene has not been previously reported in association with disease. This variant is suspected to be in trans with a pathogenic variant (p.Asp424His), consistent with autosomal recessive inheritance. The presence of this variant with an established disease-causing variant on the opposite allele increases suspicion for its pathogenicity. The p.Arg144Glyfs*100 variant was absent from large population databases, including the Genome Aggregation Database. This variant results in a 1 bp deletion, which causes a shift in the protein reading frame, leading to a premature termination codon 100 amino acids downstream, in the last exon of BTD. Premature termination at this location is not predicted to undergo nonsense-mediated decay, increasing the likelihood of an expressed protein. However, there are many other reported truncating variants downstream of this variant that have been classified as pathogenic and have functional evidence demonstrating reduced enzyme activity. Loss of function is an established mechanism of disease for the BTD gene. These data were assessed using the ACMG/AMP variant interpretation guidelines. In summary, there is sufficient evidence to classify the p.Arg144Glyfs*100 variant as pathogenic for autosomal recessive biotinidase deficiency based on the information above. [ACMG evidence codes used: PVS1; PM2; PM3_supporting]

Literature cited by the submitters: PubMed 25174816 (cited by Labcorp Genetics (formerly Invitae), Labcorp); PubMed 25967232 (cited by Labcorp Genetics (formerly Invitae), Labcorp); PubMed 28498829 (cited by Labcorp Genetics (formerly Invitae), Labcorp).